The following is an entry in ClinVar:

NM_133497.4(KCNV2):c.957G>A (p.Leu319=)

Gene: KCNV2 (potassium voltage-gated channel modifier subfamily V member 2; plus strand). Cytogenetic location: 9p24.2.
Variant type: single nucleotide variant.
Coding change: c.957G>A on transcript NM_133497.4 (MANE Select); coding-DNA position 957, G replaced by A.
Protein change: p.Leu319=; no amino-acid change (leucine 319 retained).
Molecular consequence: synonymous variant.
Genome position (GRCh38, 1-based): chr9:2,718,696, G>A. VCF-style: chr9-2718696-G-A. GRCh37 (hg19) VCF-style: chr9-2718696-G-A.
Identifiers: ClinVar variation 193486 (VCV000193486.21), dbSNP rs141378856, ClinGen allele CA200613.
Genomic context (GRCh38, chr9:2,718,696, plus strand): 5'-GCCCATCCTGGAGCACGTGGAGATGCTGTGCATGGGCTTCTTCACGCTCGAGTACCTGCT[G>A]CGCCTAGCCTCCACGCCCGACCTGAGGCGCTTCGCGCGCAGCGCCCTCAACCTGGTGGAC-3'
Protein context (NP_598004.1, residues 309-329): CMGFFTLEYL[Leu319=]RLASTPDLRR

ClinVar aggregate classification (germline): Benign/Likely benign. Review status: criteria provided, multiple submitters, no conflicts (2 of 4 stars). 5 submissions from 5 submitters: Benign (1); Likely benign (3). 1 of the submissions does not count toward it. Last evaluated 2026-01-09.

Conditions:
KCNV2-related disorder. Also called: KCNV2-related condition.
Cone dystrophy with supernormal rod response (CDSRR). Also called: CONE DYSTROPHY WITH SUPERNORMAL ROD RESPONSES. Identifiers: Orphanet 209932, MedGen C1835897, MONDO:0012475, OMIM 610356.

Allele frequency attached by ClinVar (database versions not stated): gnomAD exomes 0.00053; ExAC 0.00072; 1000 Genomes Project 30x 0.00156; 1000 Genomes Project 0.00180; TOPMed 0.00213; ESP Exome Variant Server 0.00238.
gnomAD v4.1: 598 of 1,613,244 alleles (0.037%); highest among the groups gnomAD compares: African/African-American, 0.7%; 3 homozygotes.

Submissions (5):

Labcorp Genetics (formerly Invitae), Labcorp
Classification: Benign. Last evaluated: 2026-01-09. Review status: criteria provided, single submitter. Criteria: Invitae Variant Classification Sherloc (09022015). Collection method: clinical testing. Allele origin: germline.

Blueprint Genetics
Classification: Likely benign. Last evaluated: 2024-09-05. Review status: criteria provided, single submitter. Criteria: ACMG Guidelines, 2015. Collection method: clinical testing. Allele origin: germline.

Illumina Laboratory Services, Illumina
Classification: Likely benign for Cone dystrophy with supernormal rod response. Last evaluated: 2018-01-13. Review status: criteria provided, single submitter. Criteria: ICSL Variant Classification Criteria 13 December 2019. Collection method: clinical testing. Allele origin: germline.
Comment: This variant was observed in the ICSL laboratory as part of a predisposition screen in an ostensibly healthy population. It had not been previously curated by ICSL or reported in the Human Gene Mutation Database (HGMD: prior to June 1st, 2018), and was therefore a candidate for classification through an automated scoring system. Utilizing variant allele frequency, disease prevalence and penetrance estimates, and inheritance mode, an automated score was calculated to assess if this variant is too frequent to cause the disease. Based on the score and internal cut-off values, a variant classified as likely benign is not then subjected to further curation. The score for this variant resulted in a classification of likely benign for this disease.

Eurofins Ntd Llc (ga)
Classification: Likely benign. Last evaluated: 2015-02-24. Review status: criteria provided, single submitter. Criteria: EGL Classification Definitions 2015. Collection method: clinical testing. Allele origin: germline. Observed: 1 variant allele, 1 heterozygote.

PreventionGenetics, part of Exact Sciences
Classification: Benign for KCNV2-related condition. Last evaluated: 2024-06-24. Review status: no assertion criteria provided. Collection method: clinical testing. Allele origin: germline. Not counted in ClinVar's aggregate classification.
Comment: This variant is classified as benign based on ACMG/AMP sequence variant interpretation guidelines (Richards et al. 2015 PMID: 25741868, with internal and published modifications).